The following is an entry in ClinVar:

NM_003690.5(PRKRA):c.65+1G>A

Gene: PRKRA (protein activator of interferon induced protein kinase EIF2AK2; minus strand). Cytogenetic location: 2q31.2.
Variant type: single nucleotide variant.
Coding change: c.65+1G>A on transcript NM_003690.5 (MANE Select); the canonical splice donor site of the intron after coding-DNA position 65, G replaced by A.
Molecular consequence: splice donor variant.
Genome position (GRCh38, 1-based): chr2:178,450,965, C>T on the plus strand (G>A on the coding strand, the complement: PRKRA is on the minus strand). VCF-style: chr2-178450965-C-T. GRCh37 (hg19) VCF-style: chr2-179315692-C-T.
Other names: c.-385+1G>A (NM_001316362.2).
Identifiers: ClinVar variation 4076192 (VCV004076192.1).

ClinVar aggregate classification (germline): Uncertain significance (1 of 4 stars; one submission).

Conditions:
Dystonia 16 (DYT16). Also called: DYT-PRKRA. Identifiers: Orphanet 210571, MedGen C2677567, MONDO:0012789, OMIM 612067.

Submission:

Laboratorio de Genetica e Diagnostico Molecular, Hospital Israelita Albert Einstein
Classification: Uncertain significance for Dystonia 16. Last evaluated: 2025-01-27. Review status: criteria provided, single submitter. Criteria: ACMG Guidelines, 2015. Collection method: clinical testing. Allele origin: germline. Affected: yes.
Comment: ACMG classification criteria: PM2 supporting